The following is an entry in ClinVar:

ClinVar aggregate classification (germline): Pathogenic (1 of 4 stars; one submission).

Conditions:
Familial cancer of breast. Also called: hereditary breast carcinoma; Hereditary breast cancer; BREAST CANCER, FAMILIAL. Identifiers: Orphanet 227535, MedGen C0346153, MONDO:0016419, OMIM 114480. Disease mechanism: loss of function.

Submission:

Labcorp Genetics (formerly Invitae), Labcorp
Classification: Pathogenic for Familial cancer of breast. Last evaluated: 2021-10-28. Review status: criteria provided, single submitter. Criteria: Invitae Variant Classification Sherloc (09022015). Collection method: clinical testing. Allele origin: germline.
Comment: This sequence change creates a premature translational stop signal (p.Cys121Valfs*10) in the CHEK2 gene. It is expected to result in an absent or disrupted protein product. Loss-of-function variants in CHEK2 are known to be pathogenic (PMID: 21876083, 24713400). This variant is not present in population databases (gnomAD no frequency). This variant has not been reported in the literature in individuals affected with CHEK2-related conditions. For these reasons, this variant has been classified as Pathogenic.

Literature cited by the submitters: PubMed 21876083; PubMed 24713400.

NM_007194.4(CHEK2):c.361del (p.Cys121fs)

Gene: CHEK2 (checkpoint kinase 2; minus strand). Cytogenetic location: 22q12.1.
Variant type: Deletion.
Coding change: c.361del on transcript NM_007194.4 (MANE Select); coding-DNA position 361, one base deleted (T; older notation c.361delT).
Protein change: p.Cys121fs; shifts the reading frame from cysteine 121.
Molecular consequence: frameshift variant.
Genome position (GRCh38, 1-based): chr22:28,725,326, A deleted on the plus strand (T on the coding strand, the reverse complement: CHEK2 is on the minus strand). VCF-style (leftmost placement, unchanged base first): chr22-28725325-CA-C. GRCh37 (hg19) VCF-style: chr22-29121313-CA-C.
Other names: c.490delT, p.Cys164Valfs (NM_001005735.3); c.-417delT (NM_001257387.3); c.361delT, p.Cys121Valfs (NM_001349956.3, NM_145862.3); short protein forms C121fs, C164fs.
Identifiers: ClinVar variation 1398247 (VCV001398247.7), dbSNP rs2146070522, ClinGen allele CA2573158057.